The following is an entry in ClinVar:

ClinVar aggregate classification (germline): Likely benign. Review status: criteria provided, multiple submitters, no conflicts (2 of 4 stars). 3 submissions from 3 submitters: Likely benign (3). Last evaluated 2026-01-13.

gnomAD v4.1: 81 of 1,613,532 alleles (0.005%); highest among the groups gnomAD compares: South Asian, 0.076%; no homozygotes.

Submissions (3):

Labcorp Genetics (formerly Invitae), Labcorp
Classification: Likely benign. Last evaluated: 2026-01-13. Review status: criteria provided, single submitter. Criteria: Invitae Variant Classification Sherloc (09022015). Collection method: clinical testing. Allele origin: germline.

CeGaT Center for Human Genetics Tuebingen
Classification: Likely benign. Last evaluated: 2025-12-01. Review status: criteria provided, single submitter. Criteria: CeGaT Center For Human Genetics Tuebingen Variant Classification Criteria Version 2. Collection method: clinical testing. Allele origin: germline. Affected: yes. Observed: 1 variant allele.
Comment: PPIB: BP4, BP7

Blueprint Genetics
Classification: Likely benign. Last evaluated: 2020-09-24. Review status: criteria provided, single submitter. Criteria: ACMG Guidelines, 2015. Collection method: clinical testing. Allele origin: germline.

NM_000942.5(PPIB):c.42C>T (p.Ala14=)

Gene: PPIB (peptidylprolyl isomerase B; minus strand). Cytogenetic location: 15q22.31.
Variant type: single nucleotide variant.
Coding change: c.42C>T on transcript NM_000942.5 (MANE Select); coding-DNA position 42, C replaced by T.
Protein change: p.Ala14=; no amino-acid change (alanine 14 retained).
Molecular consequence: synonymous variant.
Genome position (GRCh38, 1-based): chr15:64,162,945, G>A on the plus strand (C>T on the coding strand, the complement: PPIB is on the minus strand). VCF-style: chr15-64162945-G-A. GRCh37 (hg19) VCF-style: chr15-64455144-G-A.
Identifiers: ClinVar variation 4534179 (VCV004534179.8).
Genomic context (GRCh38, chr15:64,162,945, plus strand): 5'-ATCGGCCGCAGAAGGTCCCGGCAGCAGCAGGAAGAAGACGGACCCCGCGATGAGGGCGGC[G>A]GCAAGGAGCACCTTCATGTTGCGTTCGGAGAGGCGCAGCATCCACAGGCGGAGGCGAAAG-3'
Protein context (NP_000933.1, residues 4-24): LSERNMKVLL[Ala14=]AALIAGSVFF